The following is an entry in ClinVar:

ClinVar aggregate classification (germline): Uncertain significance (1 of 4 stars; one submission).

Conditions:
Progressive myoclonic epilepsy type 5. Identifiers: Orphanet 402082, MedGen C5190799.

Submission:

Labcorp Genetics (formerly Invitae), Labcorp
Classification: Uncertain significance for Progressive myoclonic epilepsy type 5. Last evaluated: 2025-02-02. Review status: criteria provided, single submitter. Criteria: Invitae Variant Classification Sherloc (09022015). Collection method: clinical testing. Allele origin: germline.
Comment: This sequence change replaces arginine, which is basic and polar, with proline, which is neutral and non-polar, at codon 233 of the PRICKLE2 protein (p.Arg233Pro). This variant is not present in population databases (gnomAD no frequency). This variant has not been reported in the literature in individuals affected with PRICKLE2-related conditions. Invitae Evidence Modeling of protein sequence and biophysical properties (such as structural, functional, and spatial information, amino acid conservation, physicochemical variation, residue mobility, and thermodynamic stability) indicates that this missense variant is expected to disrupt PRICKLE2 protein function with a positive predictive value of 80%. In summary, the available evidence is currently insufficient to determine the role of this variant in disease. Therefore, it has been classified as a Variant of Uncertain Significance.

NM_198859.4(PRICKLE2):c.698G>C (p.Arg233Pro)

Gene: PRICKLE2 (prickle planar cell polarity protein 2; minus strand). Cytogenetic location: 3p14.1.
Variant type: single nucleotide variant.
Coding change: c.698G>C on transcript NM_198859.4 (MANE Select); coding-DNA position 698, G replaced by C.
Protein change: p.Arg233Pro; replaces arginine 233 with proline.
Molecular consequence: missense variant.
Genome position (GRCh38, 1-based): chr3:64,153,271, C>G on the plus strand (G>C on the coding strand, the complement: PRICKLE2 is on the minus strand). VCF-style: chr3-64153271-C-G. GRCh37 (hg19) VCF-style: chr3-64138947-C-G.
Other names: c.698G>C, p.Arg233Pro (NM_001370528.1); short protein forms R233P.
Identifiers: ClinVar variation 3664667 (VCV003664667.2).